The following is an entry in ClinVar:

ClinVar aggregate classification (germline): Uncertain significance (1 of 4 stars; one submission).

Conditions:
Juvenile polyposis syndrome (JPS). Identifiers: Orphanet 2929, MedGen C0345893, MONDO:0017380, OMIM 174900.

Submission:

Labcorp Genetics (formerly Invitae), Labcorp
Classification: Uncertain significance for Juvenile polyposis syndrome. Last evaluated: 2024-02-23. Review status: criteria provided, single submitter. Criteria: Invitae Variant Classification Sherloc (09022015). Collection method: clinical testing. Allele origin: germline.
Comment: This sequence change falls in intron 12 of the BMPR1A gene. It does not directly change the encoded amino acid sequence of the BMPR1A protein. It affects a nucleotide within the consensus splice site. This variant is not present in population databases (gnomAD no frequency). This variant has not been reported in the literature in individuals affected with BMPR1A-related conditions. Variants that disrupt the consensus splice site are a relatively common cause of aberrant splicing (PMID: 17576681, 9536098). Studies have shown that this variant is associated with altered splicing resulting in multiple RNA products (Invitae). In summary, the available evidence is currently insufficient to determine the role of this variant in disease. Therefore, it has been classified as a Variant of Uncertain Significance.

Literature cited by the submitters: PubMed 17576681; PubMed 9536098.

NM_004329.3(BMPR1A):c.1473+5G>A

Gene: BMPR1A (bone morphogenetic protein receptor type 1A; plus strand). Cytogenetic location: 10q23.2.
Variant type: single nucleotide variant.
Coding change: c.1473+5G>A on transcript NM_004329.3 (MANE Select); 5 bases into the intron after coding-DNA position 1473, G replaced by A.
Molecular consequence: intron variant.
Genome position (GRCh38, 1-based): chr10:86,923,511, G>A. VCF-style: chr10-86923511-G-A. GRCh37 (hg19) VCF-style: chr10-88683268-G-A.
Other names: c.1473+5G>A (NM_001406562.1, NM_001406568.1, NM_001406567.1 and 19 more transcripts); c.1389+5G>A (NM_001406584.1, NM_001406588.1, NM_001406587.1 and 2 more transcripts); c.1521+5G>A (NM_001406560.1); c.1548+5G>A (NM_001406559.1); c.1467+5G>A (NM_001406583.1); c.1131+5G>A (NM_001406589.1).
Identifiers: ClinVar variation 2698534 (VCV002698534.3), dbSNP rs2133622680, ClinGen allele CA2697558540.